The following is an entry in ClinVar:

ClinVar aggregate classification (germline): Uncertain significance (1 of 4 stars; one submission).

Submission:

Ambry Genetics
Classification: Uncertain significance. Last evaluated: 2023-04-27. Review status: criteria provided, single submitter. Criteria: Ambry Variant Classification Scheme 2023. Collection method: clinical testing. Allele origin: germline.
Comment: The p.K1651E variant (also known as c.4951A>G), located in coding exon 37 of the PRKDC gene, results from an A to G substitution at nucleotide position 4951. The lysine at codon 1651 is replaced by glutamic acid, an amino acid with similar properties. This amino acid position is conserved. In addition, this alteration is predicted to be tolerated by in silico analysis. Since supporting evidence is limited at this time, the clinical significance of this alteration remains unclear.

NM_006904.7(PRKDC):c.4951A>G (p.Lys1651Glu)

Gene: PRKDC (protein kinase, DNA-activated, catalytic subunit; minus strand). Cytogenetic location: 8q11.21.
Variant type: single nucleotide variant.
Coding change: c.4951A>G on transcript NM_006904.7 (MANE Select); coding-DNA position 4951, A replaced by G.
Protein change: p.Lys1651Glu; replaces lysine 1651 with glutamic acid.
Molecular consequence: missense variant.
Genome position (GRCh38, 1-based): chr8:47,881,923, T>C on the plus strand (A>G on the coding strand, the complement: PRKDC is on the minus strand). VCF-style: chr8-47881923-T-C. GRCh37 (hg19) VCF-style: chr8-48794484-T-C.
Other names: c.4951A>G, p.Lys1651Glu (NM_001081640.2); short protein forms K1651E.
Identifiers: ClinVar variation 2564537 (VCV002564537.2), dbSNP rs1045013001, ClinGen allele CA176149721.